The following is an entry in ClinVar:

ClinVar aggregate classification (germline): Uncertain significance. Review status: criteria provided, multiple submitters, no conflicts (2 of 4 stars). 3 submissions from 3 submitters: Uncertain significance (3). Last evaluated 2025-09-04.

Conditions:
Hereditary cancer-predisposing syndrome. Also called: Tumor predisposition; Hereditary neoplastic syndrome; Hereditary Cancer Syndrome; Neoplastic Syndromes, Hereditary. Identifiers: Orphanet 140162, MedGen C0027672, MeSH D009386, MONDO:0015356.
Familial adenomatous polyposis 1 (FAP1). Also called: POLYPOSIS, ADENOMATOUS INTESTINAL; FAMILIAL ADENOMATOUS POLYPOSIS 1, ATTENUATED. Identifiers: MedGen C2713442, MONDO:0021056, OMIM 175100. Disease mechanism: loss of function.

Submissions (3):

Ambry Genetics
Classification: Uncertain significance for Hereditary cancer-predisposing syndrome. Last evaluated: 2025-09-04. Review status: criteria provided, single submitter. Criteria: Ambry Variant Classification Scheme 2023. Collection method: clinical testing. Allele origin: germline.
Comment: The p.N627H variant (also known as c.1879A>C), located in coding exon 14 of the APC gene, results from an A to C substitution at nucleotide position 1879. The asparagine at codon 627 is replaced by histidine, an amino acid with similar properties. This amino acid position is conserved. In addition, in silico predictors for this gene do not accurately predict pathogenicity. Based on the available evidence, the clinical significance of this variant remains unclear.

GeneDx
Classification: Uncertain significance. Last evaluated: 2019-10-01. Review status: criteria provided, single submitter. Criteria: GeneDx Variant Classification Process June 2021. Collection method: clinical testing. Allele origin: germline. Affected: yes.
Comment: Not observed at in large population cohorts (Lek et al., 2016); In silico analysis, which includes protein predictors and evolutionary conservation, supports a deleterious effect; Has not been previously published as pathogenic or benign to our knowledge

Labcorp Genetics (formerly Invitae), Labcorp
Classification: Uncertain significance for Familial adenomatous polyposis 1. Last evaluated: 2018-05-30. Review status: criteria provided, single submitter. Criteria: Invitae Variant Classification Sherloc (09022015). Collection method: clinical testing. Allele origin: germline.
Comment: This variant is not present in population databases (ExAC no frequency). This sequence change replaces asparagine with histidine at codon 627 of the APC protein (p.Asn627His). The asparagine residue is highly conserved and there is a small physicochemical difference between asparagine and histidine. This variant has not been reported in the literature in individuals with APC-related disease. Algorithms developed to predict the effect of missense changes on protein structure and function are either unavailable or do not agree on the potential impact of this missense change (SIFT: "Deleterious"; PolyPhen-2: "Probably Damaging"; Align-GVGD: "Class C0"). In summary, the available evidence is currently insufficient to determine the role of this variant in disease. Therefore, it has been classified as a Variant of Uncertain Significance.

NM_000038.6(APC):c.1879A>C (p.Asn627His)

Gene: APC (APC regulator of Wnt signaling pathway; plus strand). Cytogenetic location: 5q22.2.
Variant type: single nucleotide variant.
Coding change: c.1879A>C on transcript NM_000038.6 (MANE Select); coding-DNA position 1879, A replaced by C.
Protein change: p.Asn627His; replaces asparagine 627 with histidine.
Molecular consequence: missense variant.
Genome position (GRCh38, 1-based): chr5:112,835,086, A>C. VCF-style: chr5-112835086-A-C. GRCh37 (hg19) VCF-style: chr5-112170783-A-C.
Other names: c.1756A>C, p.Asn586His (NM_001354900.2); c.1702A>C, p.Asn568His (NM_001354901.2); c.1606A>C, p.Asn536His (NM_001354902.2); c.1576A>C, p.Asn526His (NM_001354903.2); c.1501A>C, p.Asn501His (NM_001354904.2); c.1399A>C, p.Asn467His (NM_001354905.2); c.1030A>C, p.Asn344His (NM_001354906.2); c.1879A>C, p.Asn627His (NM_001127510.3, NM_001354895.2); and 5 more; short protein forms N609H, N627H, N344H, N599H, N637H, N645H, N467H, N501H.
Identifiers: ClinVar variation 576349 (VCV000576349.13), dbSNP rs772795566, ClinGen allele CA16025427.